The following is an entry in ClinVar:

NM_032043.3(BRIP1):c.3064G>C (p.Glu1022Gln)

Gene: BRIP1 (BRCA1 interacting DNA helicase 1; minus strand). Cytogenetic location: 17q23.2.
Variant type: single nucleotide variant.
Coding change: c.3064G>C on transcript NM_032043.3 (MANE Select); coding-DNA position 3064, G replaced by C.
Protein change: p.Glu1022Gln; replaces glutamic acid 1022 with glutamine.
Molecular consequence: missense variant.
Genome position (GRCh38, 1-based): chr17:61,683,982, C>G on the plus strand (G>C on the coding strand, the complement: BRIP1 is on the minus strand). VCF-style: chr17-61683982-C-G. GRCh37 (hg19) VCF-style: chr17-59761343-C-G.
Other names: short protein forms E1022Q.
Identifiers: ClinVar variation 241649 (VCV000241649.21), dbSNP rs587782808, ClinGen allele CA10583616.

ClinVar aggregate classification (germline): Uncertain significance. Review status: criteria provided, multiple submitters, no conflicts (2 of 4 stars). 3 submissions from 3 submitters: Uncertain significance (3). Last evaluated 2025-04-01.

Conditions:
Familial cancer of breast. Also called: BREAST CANCER, FAMILIAL; Hereditary breast cancer; hereditary breast carcinoma. Identifiers: Orphanet 227535, MedGen C0346153, MONDO:0016419, OMIM 114480. Disease mechanism: loss of function.
Fanconi anemia complementation group J. Also called: BRIP1-Related Fanconi Anemia. Identifiers: Orphanet 84, MedGen C1836860, MONDO:0012187, OMIM 609054.
Hereditary cancer-predisposing syndrome. Also called: Neoplastic Syndromes, Hereditary; Tumor predisposition; Hereditary neoplastic syndrome; Hereditary Cancer Syndrome. Identifiers: Orphanet 140162, MedGen C0027672, MeSH D009386, MONDO:0015356.

Allele frequency attached by ClinVar (database versions not stated): TOPMed below 0.00001.

Submissions (3):

Ambry Genetics
Classification: Uncertain significance for Hereditary cancer-predisposing syndrome. Last evaluated: 2025-04-01. Review status: criteria provided, single submitter. Criteria: Ambry Variant Classification Scheme 2023. Collection method: clinical testing. Allele origin: germline.
Comment: The p.E1022Q variant (also known as c.3064G>C), located in coding exon 19 of the BRIP1 gene, results from a G to C substitution at nucleotide position 3064. The glutamic acid at codon 1022 is replaced by glutamine, an amino acid with highly similar properties. This amino acid position is poorly conserved in available vertebrate species. In addition, this alteration is predicted to be tolerated by in silico analysis. Since supporting evidence is limited at this time, the clinical significance of this alteration remains unclear.

Labcorp Genetics (formerly Invitae), Labcorp
Classification: Uncertain significance for Familial cancer of breast; Fanconi anemia complementation group J. Last evaluated: 2024-06-12. Review status: criteria provided, single submitter. Criteria: Invitae Variant Classification Sherloc (09022015). Collection method: clinical testing. Allele origin: germline.
Comment: This sequence change replaces glutamic acid, which is acidic and polar, with glutamine, which is neutral and polar, at codon 1022 of the BRIP1 protein (p.Glu1022Gln). This variant is not present in population databases (gnomAD no frequency). This variant has not been reported in the literature in individuals affected with BRIP1-related conditions. ClinVar contains an entry for this variant (Variation ID: 241649). Algorithms developed to predict the effect of missense changes on protein structure and function output the following: SIFT: "Not Available"; PolyPhen-2: "Benign"; Align-GVGD: "Not Available". The glutamine amino acid residue is found in multiple mammalian species, which suggests that this missense change does not adversely affect protein function. In summary, the available evidence is currently insufficient to determine the role of this variant in disease. Therefore, it has been classified as a Variant of Uncertain Significance.

Color Diagnostics, LLC DBA Color Health
Classification: Uncertain significance for Hereditary cancer-predisposing syndrome. Last evaluated: 2024-03-06. Review status: criteria provided, single submitter. Criteria: ACMG Guidelines, 2015. Collection method: clinical testing. Allele origin: germline.
Comment: This missense variant replaces glutamic acid with glutamine at codon 1022 of the BRIP1 protein. Computational prediction suggests that this variant may not impact protein structure and function (internally defined REVEL score threshold <= 0.5, PMID: 27666373). To our knowledge, functional studies have not been reported for this variant. This variant has not been reported in individuals affected with hereditary cancer in the literature. This variant has not been identified in the general population by the Genome Aggregation Database (gnomAD). The available evidence is insufficient to determine the role of this variant in disease conclusively. Therefore, this variant is classified as a Variant of Uncertain Significance.